The following is an entry in ClinVar:

ClinVar aggregate classification (germline): Uncertain significance (1 of 4 stars; one submission).

Conditions:
Jeune thoracic dystrophy. Also called: Jeune syndrome; Infantile thoracic dystrophy; Thoracic pelvic phalangeal dystrophy; Jeune's syndrome; Chondroectodermal dysplasia-like syndrome; Short-rib thoracic dysplasia. Identifiers: Orphanet 474, MedGen C0265275, MONDO:0018770.
Nephronophthisis. Also called: Juvenile Nephronophthisis. Identifiers: Orphanet 655, MedGen C0687120, MONDO:0019005, HP:0000090.

Allele frequency attached by ClinVar (database versions not stated): TOPMed below 0.00001; gnomAD exomes 0.00001.

Submission:

Labcorp Genetics (formerly Invitae), Labcorp
Classification: Uncertain significance for Jeune thoracic dystrophy; Nephronophthisis. Last evaluated: 2023-05-08. Review status: criteria provided, single submitter. Criteria: Invitae Variant Classification Sherloc (09022015). Collection method: clinical testing. Allele origin: germline.
Comment: This variant has not been reported in the literature in individuals affected with TTC21B-related conditions. In summary, the available evidence is currently insufficient to determine the role of this variant in disease. Therefore, it has been classified as a Variant of Uncertain Significance. Advanced modeling of protein sequence and biophysical properties (such as structural, functional, and spatial information, amino acid conservation, physicochemical variation, residue mobility, and thermodynamic stability) performed at Invitae indicates that this missense variant is not expected to disrupt TTC21B protein function. This variant is present in population databases (rs748245713, gnomAD 0.007%). This sequence change replaces glutamine, which is neutral and polar, with arginine, which is basic and polar, at codon 102 of the TTC21B protein (p.Gln102Arg).

NM_024753.5(TTC21B):c.305A>G (p.Gln102Arg)

Genes: TTC21B (tetratricopeptide repeat domain 21B; minus strand), TTC21B-AS1 (TTC21B antisense RNA 1; plus strand). Cytogenetic location: 2q24.3.
Variant type: single nucleotide variant.
Coding change: c.305A>G on transcript NM_024753.5 (MANE Select); coding-DNA position 305, A replaced by G.
Protein change: p.Gln102Arg; replaces glutamine 102 with arginine.
Molecular consequence: missense variant.
Genome position (GRCh38, 1-based): chr2:165,945,648, T>C on the plus strand (A>G on the coding strand, the complement: TTC21B is on the minus strand). VCF-style: chr2-165945648-T-C. GRCh37 (hg19) VCF-style: chr2-166802158-T-C.
Other names: short protein forms Q102R.
Identifiers: ClinVar variation 1514271 (VCV001514271.6), dbSNP rs748245713, ClinGen allele CA59767016.